The following is an entry in ClinVar:

NM_003361.4(UMOD):c.1390C>T (p.Gln464Ter)

Gene: UMOD (uromodulin; minus strand). Cytogenetic location: 16p12.3.
Variant type: single nucleotide variant.
Coding change: c.1390C>T on transcript NM_003361.4 (MANE Select); coding-DNA position 1390, C replaced by T.
Protein change: p.Gln464Ter; replaces glutamine 464 with a stop codon.
Molecular consequence: nonsense. On other transcripts: non-coding transcript variant (1).
Genome position (GRCh38, 1-based): chr16:20,341,278, G>A on the plus strand (C>T on the coding strand, the complement: UMOD is on the minus strand). VCF-style: chr16-20341278-G-A. GRCh37 (hg19) VCF-style: chr16-20352600-G-A.
Other names: c.1390C>T, p.Gln464Ter (NM_001008389.3, NM_001378232.1, NM_001378233.1); c.1489C>T, p.Gln497Ter (NM_001278614.2); c.1531C>T, p.Gln511Ter (NM_001378234.1, NM_001378235.1); short protein forms Q464*, Q511*, Q497*.
Identifiers: ClinVar variation 1358835 (VCV001358835.7), dbSNP rs373412017, ClinGen allele CA7939155.

ClinVar aggregate classification (germline): Uncertain significance. Review status: criteria provided, multiple submitters, no conflicts (2 of 4 stars). 2 submissions from 2 submitters: Uncertain significance (2). Last evaluated 2024-10-30.

Conditions:
Familial juvenile hyperuricemic nephropathy type 1 (ADTKD1). Also called: Autosomal Dominant Tubulointerstitial Kidney Disease – UMOD; Glomerulocystic kidney disease with hyperuricemia and isosthenuria; Medullary cystic kidney disease 2; UMOD-Associated Kidney Disease; Uromodulin-associated kidney disease. Identifiers: Orphanet 209886, Orphanet 34149, Orphanet 88950, MedGen C4551496, MONDO:0008073, OMIM 162000.

Allele frequency attached by ClinVar (database versions not stated): gnomAD 0.00001 and 0.00002; gnomAD exomes 0.00001 and 0.00004; ExAC 0.00002; ESP Exome Variant Server 0.00008; 1000 Genomes Project 0.00020; 1000 Genomes Project 30x 0.00031.

Submissions (2):

Labcorp Genetics (formerly Invitae), Labcorp
Classification: Uncertain significance. Last evaluated: 2024-10-30. Review status: criteria provided, single submitter. Criteria: Invitae Variant Classification Sherloc (09022015). Collection method: clinical testing. Allele origin: germline.
Comment: This sequence change creates a premature translational stop signal (p.Gln464*) in the UMOD gene. It is expected to result in an absent or disrupted protein product. However, the current clinical and genetic evidence is not sufficient to establish whether loss-of-function variants in UMOD cause disease. This variant is present in population databases (rs373412017, gnomAD 0.007%). This variant has not been reported in the literature in individuals affected with UMOD-related conditions. ClinVar contains an entry for this variant (Variation ID: 1358835). In summary, the available evidence is currently insufficient to determine the role of this variant in disease. Therefore, it has been classified as a Variant of Uncertain Significance.

Fulgent Genetics
Classification: Uncertain significance for Familial juvenile hyperuricemic nephropathy type 1. Last evaluated: 2022-01-02. Review status: criteria provided, single submitter. Criteria: ACMG Guidelines, 2015. Collection method: clinical testing. Allele origin: unknown.